The following is an entry in ClinVar:

ClinVar aggregate classification (germline): Uncertain significance (1 of 4 stars; one submission).

Conditions:
Cardiovascular phenotype. Identifiers: MedGen CN230736.

Submission:

Ambry Genetics
Classification: Uncertain significance for Cardiovascular phenotype. Last evaluated: 2021-09-21. Review status: criteria provided, single submitter. Criteria: Ambry Variant Classification Scheme 2023. Collection method: clinical testing. Allele origin: germline.
Comment: The p.F73I variant (also known as c.217T>A), located in coding exon 2 of the MYOZ2 gene, results from a T to A substitution at nucleotide position 217. The phenylalanine at codon 73 is replaced by isoleucine, an amino acid with highly similar properties. This amino acid position is conserved. In addition, this alteration is predicted to be tolerated by in silico analysis. Since supporting evidence is limited at this time, the clinical significance of this alteration remains unclear.

NM_016599.5(MYOZ2):c.217T>A (p.Phe73Ile)

Gene: MYOZ2 (myozenin 2; plus strand). Cytogenetic location: 4q26.
Variant type: single nucleotide variant.
Coding change: c.217T>A on transcript NM_016599.5 (MANE Select); coding-DNA position 217, T replaced by A.
Protein change: p.Phe73Ile; replaces phenylalanine 73 with isoleucine.
Molecular consequence: missense variant.
Genome position (GRCh38, 1-based): chr4:119,151,012, T>A. VCF-style: chr4-119151012-T-A. GRCh37 (hg19) VCF-style: chr4-120072167-T-A.
Other names: short protein forms F73I.
Identifiers: ClinVar variation 1787254 (VCV001787254.2), dbSNP rs2476784319, ClinGen allele CA358203698.